The following is an entry in ClinVar:

ClinVar aggregate classification (germline): Uncertain significance (1 of 4 stars; one submission).

Conditions:
Congenital myotonia, autosomal recessive form. Also called: BECKER DISEASE; Becker Generalized Myotonia; myotonia congenita, autosomal recessive. Identifiers: Orphanet 614, MedGen C0751360, MONDO:0009715, OMIM 255700.
Congenital myotonia, autosomal dominant form (THD). Also called: THOMSEN DISEASE; Myotonia congenita autosomal dominant. Identifiers: Orphanet 614, MedGen C2936781, MONDO:0008055, OMIM 160800.

Submission:

Labcorp Genetics (formerly Invitae), Labcorp
Classification: Uncertain significance for Congenital myotonia, autosomal recessive form; Congenital myotonia, autosomal dominant form. Last evaluated: 2022-08-16. Review status: criteria provided, single submitter. Criteria: Invitae Variant Classification Sherloc (09022015). Collection method: clinical testing. Allele origin: germline.
Comment: A copy number gain of the genomic region encompassing the full coding sequence of the CLCN1 gene has been identified. The boundaries of this event are unknown as they extend beyond the assayed region for this gene and therefore may encompass additional genes. As the precise location of this event is unknown, it may be in tandem or it may be located elsewhere in the genome. This variant has not been reported in the literature in individuals affected with CLCN1-related conditions. In summary, the available evidence is currently insufficient to determine the role of this variant in disease. Therefore, it has been classified as a Variant of Uncertain Significance.

NC_000007.13:g.(?_143013306)_(143049058_?)dup

Gene: CLCN1 (chloride voltage-gated channel 1; plus strand). Cytogenetic location: 7q34.
Variant type: Duplication.
Identifiers: ClinVar variation 1398550 (VCV001398550.4).